The following is an entry in ClinVar:

NM_018684.4(ZC4H2):c.588T>G (p.Ile196Met)

Gene: ZC4H2 (zinc finger C4H2-type containing; minus strand). Cytogenetic location: Xq11.2.
Variant type: single nucleotide variant.
Coding change: c.588T>G on transcript NM_018684.4 (MANE Select); coding-DNA position 588, T replaced by G.
Protein change: p.Ile196Met; replaces isoleucine 196 with methionine.
Molecular consequence: missense variant. On other transcripts: non-coding transcript variant (1).
Genome position (GRCh38, 1-based): chrX:64,917,870, A>C on the plus strand (T>G on the coding strand, the complement: ZC4H2 is on the minus strand). VCF-style: chrX-64917870-A-C. GRCh37 (hg19) VCF-style: chrX-64137750-A-C.
Other names: c.425T>G, p.Phe142Cys (NM_001178033.3); c.519T>G, p.Ile173Met (NM_001243804.2, NM_001178032.3); short protein forms F142C, I173M, I196M.
Identifiers: ClinVar variation 4074645 (VCV004074645.1).

ClinVar aggregate classification (germline): Uncertain significance (1 of 4 stars; one submission).

Submission:

GeneDx
Classification: Uncertain significance. Last evaluated: 2025-02-10. Review status: criteria provided, single submitter. Criteria: GeneDx Variant Classification Process June 2021. Collection method: clinical testing. Allele origin: germline. Affected: yes.
Comment: Not observed at significant frequency in large population cohorts (gnomAD); In silico analysis supports that this missense variant has a deleterious effect on protein structure/function; Has not been previously published as pathogenic or benign to our knowledge